The following is an entry in ClinVar:

ClinVar aggregate classification (germline): Uncertain significance. Review status: criteria provided, multiple submitters, no conflicts (2 of 4 stars). 2 submissions from 2 submitters: Uncertain significance (2). Last evaluated 2025-09-29.

Conditions:
Tumor predisposition syndrome 3 (TPDS3). Also called: Melanoma, cutaneous malignant, susceptibility to, 10; LONG TELOMERE SYNDROME, POT1-RELATED; POT1 Tumor Predisposition; Glioma susceptibility 9. Identifiers: Orphanet 618, MedGen C4014476, MONDO:0014368, OMIM 615848.
Hereditary cancer-predisposing syndrome. Also called: Tumor predisposition; Neoplastic Syndromes, Hereditary; Hereditary neoplastic syndrome; Hereditary Cancer Syndrome. Identifiers: Orphanet 140162, MedGen C0027672, MeSH D009386, MONDO:0015356.

Allele frequency attached by ClinVar (database versions not stated): gnomAD exomes below 0.00001 and 0.00001; ExAC 0.00002.
gnomAD v4.1: 3 of 1,600,624 alleles (0.00019%); highest among the groups gnomAD compares: Non-Finnish European, 0.00026%; no homozygotes.

Submissions (2):

Labcorp Genetics (formerly Invitae), Labcorp
Classification: Uncertain significance for Tumor predisposition syndrome 3. Last evaluated: 2025-09-29. Review status: criteria provided, single submitter. Criteria: Invitae Variant Classification Sherloc (09022015). Collection method: clinical testing. Allele origin: germline.
Comment: This sequence change replaces isoleucine, which is neutral and non-polar, with methionine, which is neutral and non-polar, at codon 512 of the POT1 protein (p.Ile512Met). This variant is present in population databases (rs765347563, gnomAD 0.003%). This variant has not been reported in the literature in individuals affected with POT1-related conditions. ClinVar contains an entry for this variant (Variation ID: 575076). Invitae Evidence Modeling of protein sequence and biophysical properties (such as structural, functional, and spatial information, amino acid conservation, physicochemical variation, residue mobility, and thermodynamic stability) indicates that this missense variant is not expected to disrupt POT1 protein function with a negative predictive value of 80%. In summary, the available evidence is currently insufficient to determine the role of this variant in disease. Therefore, it has been classified as a Variant of Uncertain Significance.

Ambry Genetics
Classification: Uncertain significance for Hereditary cancer-predisposing syndrome. Last evaluated: 2024-05-10. Review status: criteria provided, single submitter. Criteria: Ambry Variant Classification Scheme 2023. Collection method: clinical testing. Allele origin: germline.
Comment: The p.I512M variant (also known as c.1536A>G), located in coding exon 12 of the POT1 gene, results from an A to G substitution at nucleotide position 1536. The isoleucine at codon 512 is replaced by methionine, an amino acid with highly similar properties. This amino acid position is conserved. In addition, this alteration is predicted to be tolerated by in silico analysis. Based on the available evidence, the clinical significance of this variant remains unclear.

NM_015450.3(POT1):c.1536A>G (p.Ile512Met)

Gene: POT1 (protection of telomeres 1; minus strand). Cytogenetic location: 7q31.33.
Variant type: single nucleotide variant.
Coding change: c.1536A>G on transcript NM_015450.3 (MANE Select); coding-DNA position 1536, A replaced by G.
Protein change: p.Ile512Met; replaces isoleucine 512 with methionine.
Molecular consequence: missense variant. On other transcripts: non-coding transcript variant (2).
Genome position (GRCh38, 1-based): chr7:124,829,312, T>C on the plus strand (A>G on the coding strand, the complement: POT1 is on the minus strand). VCF-style: chr7-124829312-T-C. GRCh37 (hg19) VCF-style: chr7-124469366-T-C.
Other names: c.1143A>G, p.Ile381Met (NM_001042594.2); short protein forms I512M, I381M.
Identifiers: ClinVar variation 575076 (VCV000575076.12), dbSNP rs765347563, ClinGen allele CA4465077.